The following is an entry in ClinVar:

ClinVar aggregate classification (germline): Pathogenic (1 of 4 stars; one submission).

Submission:

Athena Diagnostics
Classification: Pathogenic. Last evaluated: 2021-05-04. Review status: criteria provided, single submitter. Criteria: Athena Diagnostics Criteria. Collection method: clinical testing. Allele origin: unknown.
Comment: This variant is expected to result in the loss of a functional protein. This variant has been identified in at least one individual tested at Athena Diagnostics with clinical features associated with this gene. This variant has not been reported in large, multi-ethnic general populations.This observation is not an independent occurrence and has been identified in the same individual by RCIGM, the other laboratory participating in the GEMINI study.

NM_003482.4(KMT2D):c.3588dup (p.Pro1197fs)

Genes: KMT2D (lysine methyltransferase 2D; minus strand), LOC126861520 (CDK7 strongly-dependent group 2 enhancer GRCh37_chr12:49442744-49443943; plus strand). Cytogenetic location: 12q13.12.
Variant type: Duplication.
Coding change: c.3588dup on transcript NM_003482.4 (MANE Select); coding-DNA position 3588, one base duplicated (A; older notation c.3588dupA).
Protein change: p.Pro1197fs; shifts the reading frame from proline 1197.
Molecular consequence: frameshift variant.
Genome position (GRCh38, 1-based): chr12:49,050,000, T duplicated on the plus strand (A on the coding strand, the reverse complement: KMT2D is on the minus strand). VCF-style (leftmost placement, unchanged base first): chr12-49049999-G-GT. GRCh37 (hg19) VCF-style: chr12-49443782-G-GT.
Other names: short protein forms P1197fs.
Identifiers: ClinVar variation 1809765 (VCV001809765.1), dbSNP rs2498443727, ClinGen allele CA2580086379.